The following is an entry in ClinVar:

ClinVar aggregate classification (germline): Likely benign. Review status: criteria provided, single submitter (1 of 4 stars). 2 submissions from 2 submitters: Likely benign (1). 1 of the submissions does not count toward it. Last evaluated 2024-06-26.

Conditions:
CXCR4-related disorder. Also called: CXCR4-related condition.

Allele frequency attached by ClinVar (database versions not stated): 1000 Genomes Project 0.00020; 1000 Genomes Project 30x 0.00031; gnomAD 0.00062; TOPMed 0.00065.
gnomAD v4.1: 93 of 152,284 alleles (0.061%); highest among the groups gnomAD compares: African/African-American, 0.22%; no homozygotes.

Submissions (2):

Blueprint Genetics
Classification: Likely benign. Last evaluated: 2024-06-26. Review status: criteria provided, single submitter. Criteria: ACMG Guidelines, 2015. Collection method: clinical testing. Allele origin: germline.

PreventionGenetics, part of Exact Sciences
Classification: Likely benign for CXCR4-related condition. Last evaluated: 2021-02-15. Review status: no assertion criteria provided. Collection method: clinical testing. Allele origin: germline. Not counted in ClinVar's aggregate classification.
Comment: This variant is classified as likely benign based on ACMG/AMP sequence variant interpretation guidelines (Richards et al. 2015 PMID: 25741868, with internal and published modifications).

NM_003467.3(CXCR4):c.16-699G>A

Gene: CXCR4 (C-X-C motif chemokine receptor 4; minus strand). Cytogenetic location: 2q22.1.
Variant type: single nucleotide variant.
Coding change: c.16-699G>A on transcript NM_003467.3 (MANE Select); 699 bases into the intron before coding-DNA position 16, G replaced by A.
Molecular consequence: intron variant. On other transcripts: synonymous variant (2).
Genome position (GRCh38, 1-based): chr2:136,116,611, C>T on the plus strand (G>A on the coding strand, the complement: CXCR4 is on the minus strand). VCF-style: chr2-136116611-C-T. GRCh37 (hg19) VCF-style: chr2-136874181-C-T.
Other names: c.93G>A, p.Arg31= (NM_001348056.2, NM_001348059.2); c.-30-699G>A (NM_001348060.2).
Identifiers: ClinVar variation 3054124 (VCV003054124.3), dbSNP rs553062694, ClinGen allele CA56886718.